The following is an entry in ClinVar:

ClinVar aggregate classification (germline): Uncertain significance (1 of 4 stars; one submission).

Conditions:
Norman-Roberts syndrome (LIS2). Also called: Lissencephaly 2 (Norman-Roberts type). Identifiers: Orphanet 89844, MedGen C0796089, MONDO:0009760, OMIM 257320.
Familial temporal lobe epilepsy 7. Identifiers: Orphanet 101046, MedGen C4225327, MONDO:0014639, OMIM 616436.

Allele frequency attached by ClinVar (database versions not stated): TOPMed below 0.00001.
gnomAD v4.1: 1 of 1,614,166 alleles (0.000062%); highest among the groups gnomAD compares: African/African-American, 0.0013%; no homozygotes.

Submission:

Labcorp Genetics (formerly Invitae), Labcorp
Classification: Uncertain significance for Familial temporal lobe epilepsy 7; Norman-Roberts syndrome. Last evaluated: 2022-04-13. Review status: criteria provided, single submitter. Criteria: Invitae Variant Classification Sherloc (09022015). Collection method: clinical testing. Allele origin: germline.
Comment: This sequence change replaces histidine, which is basic and polar, with proline, which is neutral and non-polar, at codon 2645 of the RELN protein (p.His2645Pro). This variant is not present in population databases (gnomAD no frequency). This variant has not been reported in the literature in individuals affected with RELN-related conditions. Algorithms developed to predict the effect of missense changes on protein structure and function are either unavailable or do not agree on the potential impact of this missense change (SIFT: "Deleterious"; PolyPhen-2: "Probably Damaging"; Align-GVGD: "Class C0"). In summary, the available evidence is currently insufficient to determine the role of this variant in disease. Therefore, it has been classified as a Variant of Uncertain Significance.

NM_005045.4(RELN):c.7934A>C (p.His2645Pro)

Gene: RELN (reelin; minus strand). Cytogenetic location: 7q22.1.
Variant type: single nucleotide variant.
Coding change: c.7934A>C on transcript NM_005045.4 (MANE Select); coding-DNA position 7934, A replaced by C.
Protein change: p.His2645Pro; replaces histidine 2645 with proline.
Molecular consequence: missense variant.
Genome position (GRCh38, 1-based): chr7:103,515,370, T>G on the plus strand (A>C on the coding strand, the complement: RELN is on the minus strand). VCF-style: chr7-103515370-T-G. GRCh37 (hg19) VCF-style: chr7-103155817-T-G.
Other names: c.7934A>C, p.His2645Pro (NM_173054.3); short protein forms H2645P.
Identifiers: ClinVar variation 2126116 (VCV002126116.4), dbSNP rs942482890, ClinGen allele CA163924556.